The following is an entry in ClinVar:

ClinVar aggregate classification (germline): Uncertain significance (1 of 4 stars; one submission).

Submission:

Labcorp Genetics (formerly Invitae), Labcorp
Classification: Uncertain significance. Last evaluated: 2022-09-26. Review status: criteria provided, single submitter. Criteria: Invitae Variant Classification Sherloc (09022015). Collection method: clinical testing. Allele origin: germline.
Comment: In summary, the available evidence is currently insufficient to determine the role of this variant in disease. Therefore, it has been classified as a Variant of Uncertain Significance. This variant has not been reported in the literature in individuals affected with IL18BP-related conditions. This variant is not present in population databases (gnomAD no frequency). This sequence change falls in intron 4 of the IL18BP gene. It does not directly change the encoded amino acid sequence of the IL18BP protein.

NM_001039660.2(IL18BP):c.508-14C>T

Gene: IL18BP (interleukin 18 binding protein; plus strand). Cytogenetic location: 11q13.4.
Variant type: single nucleotide variant.
Coding change: c.508-14C>T on transcript NM_001039660.2 (MANE Select); 14 bases into the intron before coding-DNA position 508, C replaced by T.
Molecular consequence: intron variant. On other transcripts: 3 prime UTR variant (1).
Genome position (GRCh38, 1-based): chr11:72,001,770, C>T. VCF-style: chr11-72001770-C-T. GRCh37 (hg19) VCF-style: chr11-71712816-C-T.
Other names: c.*125C>T (NM_005699.3); c.508-14C>T (NM_001039659.2, NM_173042.2, NM_001145057.1); c.380-14C>T (NM_173044.3); c.236-14C>T (NM_001145055.1).
Identifiers: ClinVar variation 2031355 (VCV002031355.4), dbSNP rs1955261835, ClinGen allele CA1981791332.
Genomic context (GRCh38, chr11:72,001,770, plus strand): 5'-GTGTAGCCTGGGGCAAAGTGATGAGATGTCCCTCCTTTCCTTGGCCTGATCCTTGTCTGC[C>T]TTCACTTCCCTAGGCTGGGCTGAGGGCAACCTTGCCCCCCACCCAAGAAGCCCTGCCCTC-3'